The following is an entry in ClinVar:

NM_005751.5(AKAP9):c.1213C>G (p.Gln405Glu)

Gene: AKAP9 (A-kinase anchoring protein 9; plus strand). Cytogenetic location: 7q21.2.
Variant type: single nucleotide variant.
Coding change: c.1213C>G on transcript NM_005751.5 (MANE Select); coding-DNA position 1213, C replaced by G.
Protein change: p.Gln405Glu; replaces glutamine 405 with glutamic acid.
Molecular consequence: missense variant.
Genome position (GRCh38, 1-based): chr7:92,001,130, C>G. VCF-style: chr7-92001130-C-G. GRCh37 (hg19) VCF-style: chr7-91630444-C-G.
Other names: c.1213C>G, p.Gln405Glu (NM_147185.3); short protein forms Q405E.
Identifiers: ClinVar variation 1393228 (VCV001393228.6), dbSNP rs2130663364, ClinGen allele CA368121268.

ClinVar aggregate classification (germline): Uncertain significance (1 of 4 stars; one submission).

Conditions:
Long QT syndrome (LQTS). Identifiers: MedGen C0023976, MeSH D008133, MONDO:0002442. Disease mechanism: loss of function. Inheritance: Various modes of inheritance.

Submission:

Labcorp Genetics (formerly Invitae), Labcorp
Classification: Uncertain significance for Long QT syndrome. Last evaluated: 2021-11-14. Review status: criteria provided, single submitter. Criteria: Invitae Variant Classification Sherloc (09022015). Collection method: clinical testing. Allele origin: germline.
Comment: This sequence change replaces glutamine, which is neutral and polar, with glutamic acid, which is acidic and polar, at codon 405 of the AKAP9 protein (p.Gln405Glu). In summary, the available evidence is currently insufficient to determine the role of this variant in disease. Therefore, it has been classified as a Variant of Uncertain Significance. Algorithms developed to predict the effect of missense changes on protein structure and function are either unavailable or do not agree on the potential impact of this missense change (SIFT: "Deleterious"; PolyPhen-2: "Probably Damaging"; Align-GVGD: "Class C0"). This variant has not been reported in the literature in individuals affected with AKAP9-related conditions. This variant is not present in population databases (gnomAD no frequency).